The following is an entry in ClinVar:

ClinVar aggregate classification (germline): Conflicting classifications of pathogenicity. Review status: criteria provided, conflicting classifications (1 of 4 stars). 18 submissions from 16 submitters: Uncertain significance (15); Benign (1); Likely benign (1). 1 of the submissions does not count toward it. Last evaluated 2026-10-23.

Conditions:
DES-related disorder. Also called: DES-related condition.
Desmin-related myofibrillar myopathy (MFM1). Also called: Desminopathy; Desmin related myopathy (former name); Desmin storage myopathy (former name); MYOFIBRILLAR MYOPATHY WITH ARRHYTHMOGENIC RIGHT VENTRICULAR CARDIOMYOPATHY; DESMIN-RELATED MYOPATHY WITH ARRHYTHMOGENIC RIGHT VENTRICULAR CARDIOMYOPATHY; Myofibrillar myopathy 1. Identifiers: Orphanet 363543, Orphanet 98909, MedGen C1832370, MONDO:0011076, OMIM 601419.
Cardiovascular phenotype. Identifiers: MedGen CN230736.
Arrhythmogenic right ventricular cardiomyopathy (ARVD). Also called: Arrhythmogenic right ventricular dysplasia; Arrhythmogenic cardiomyopathy; Arrhythmogenic Right Ventricular Cardiomyopathy (ARVC); Cardiomyopathy, ARVC. Identifiers: Orphanet 247, MedGen C0349788, MeSH D019571, MONDO:0016587. Disease mechanism: loss of function. Inheritance: Various modes of inheritance.
Cardiomyopathy (CMYO). Also called: Cardiomyopathies. Identifiers: Orphanet 167848, MedGen C0878544, MONDO:0004994, HP:0001638. Inheritance: Various modes of inheritance.
Dilated cardiomyopathy 1I (CMD1I). Identifiers: Orphanet 154, MedGen C1858154, MONDO:0011482, OMIM 604765.
Neurogenic scapuloperoneal syndrome, Kaeser type (SCPNK). Also called: KAESER SYNDROME. Identifiers: Orphanet 85146, MedGen C1867005, MONDO:0008407, OMIM 181400.

Allele frequency attached by ClinVar (database versions not stated): ESP Exome Variant Server 0.00015; gnomAD 0.00019; gnomAD exomes 0.00024; TOPMed 0.00025; 1000 Genomes Project 30x 0.00031; 1000 Genomes Project 0.00040; ExAC 0.00021.
gnomAD v4.1: 388 of 1,614,220 alleles (0.024%); highest among the groups gnomAD compares: Admixed American, 0.04%; 1 homozygote.

Submissions 1 to 11 of 18:

GeneDx
Classification: Uncertain significance. Last evaluated: 2026-10-23. Review status: criteria provided, single submitter. Criteria: GeneDx Variant Classification Process June 2021. Collection method: clinical testing. Allele origin: germline.
Comment: Reported in individuals with left ventricular noncompaction cardiomyopathy (LVNC), dilated cardiomyopathy (DCM), and sudden unexplained death however, multiple individuals harbored additional cardiogenetic variants (PMID: 27930701, 28798025, 32880476, Ridha A et al., 2015); In silico analysis supports that this missense variant has a deleterious effect on protein structure/function; This variant is associated with the following publications: (PMID: 29926427, 28798025, 32142595, 32880476, 30190612, 35130036, 27930701, RidhaA2015[CaseReport], 30564623, 26807690)

PreventionGenetics, part of Exact Sciences
Classification: Uncertain significance for DES-related condition. Last evaluated: 2026-07-08. Review status: criteria provided, single submitter. Criteria: ACMG Guidelines, 2015. Collection method: clinical testing. Allele origin: germline.
Comment: The DES c.635G>A variant is predicted to result in the amino acid substitution p.Arg212Gln. This variant has been reported as a variant of uncertain significance in a patient with left ventricular noncompaction (Miszalski-Jamka et al. 2017. Supp. Table S3. PubMed ID: 28798025). It has also been identified in an individual with sudden unexpected death (SUD) due to a suspected arrhythmia (Sanchez et al. 2016. Table 2. PubMed ID: 27930701). No additional information such as segregation studies was provided to support pathogenicity. This variant is reported in 0.033% of alleles in individuals of European (Non-Finnish) descent in gnomAD. At this time, the clinical significance of this variant is uncertain due to the absence of conclusive functional and genetic evidence.

Labcorp Genetics (formerly Invitae), Labcorp
Classification: Uncertain significance for Desmin-related myofibrillar myopathy. Last evaluated: 2026-01-19. Review status: criteria provided, single submitter. Criteria: Invitae Variant Classification Sherloc (09022015). Collection method: clinical testing. Allele origin: germline.
Comment: This sequence change replaces arginine, which is basic and polar, with glutamine, which is neutral and polar, at codon 212 of the DES protein (p.Arg212Gln). This variant is present in population databases (rs144261171, gnomAD 0.03%). This missense change has been observed in individual(s) with DES-related conditions (PMID: 27930701, 32880476). ClinVar contains an entry for this variant (Variation ID: 178015). Invitae Evidence Modeling of protein sequence and biophysical properties (such as structural, functional, and spatial information, amino acid conservation, physicochemical variation, residue mobility, and thermodynamic stability) has been performed for this missense variant. However, the output from this modeling did not meet the statistical confidence thresholds required to predict the impact of this variant on DES protein function. In summary, the available evidence is currently insufficient to determine the role of this variant in disease. Therefore, it has been classified as a Variant of Uncertain Significance.

Molecular Diagnostic Laboratory for Inherited Cardiovascular Disease, Montreal Heart Institute
Classification: Uncertain significance for Cardiovascular phenotype. Last evaluated: 2025-04-09. Review status: criteria provided, single submitter. Criteria: ACMG Guidelines, 2015. Collection method: clinical testing. Allele origin: germline. Affected: yes.
Comment: PP3, BS1

Blueprint Genetics
Classification: Likely benign. Last evaluated: 2024-11-22. Review status: criteria provided, single submitter. Criteria: ACMG Guidelines, 2015. Collection method: clinical testing. Allele origin: germline.

Ambry Genetics
Classification: Uncertain significance for Cardiovascular phenotype. Last evaluated: 2024-11-06. Review status: criteria provided, single submitter. Criteria: Ambry Variant Classification Scheme 2023. Collection method: clinical testing. Allele origin: germline.
Comment: The p.R212Q variant (also known as c.635G>A), located in coding exon 2 of the DES gene, results from a G to A substitution at nucleotide position 635. The arginine at codon 212 is replaced by glutamine, an amino acid with highly similar properties. This variant has been detected in individuals from sudden death, left ventricular non-compaction cardiomyopathy, dilated cardiomyopathy genetic testing, and neurodevelopmental cohorts; however, in several cases, clinical detail was limited and the variant co-occurred with variants in other genes (Sanchez O et al. PLoS ONE, 2016 Dec;11:e0167358; Miszalski-Jamka K et al. Circ Cardiovasc Genet, 2017 Aug;10:; van Lint FHM et al. Neth Heart J, 2019 Jun;27:304-309; Pizzo L et al. Genet. Med., 2019 04;21:816-825). This amino acid position is highly conserved in available vertebrate species. In addition, this alteration is predicted to be deleterious by in silico analysis. Since supporting evidence is limited at this time, the clinical significance of this alteration remains unclear.

Revvity Omics, Revvity
Classification: Uncertain significance. Last evaluated: 2023-12-12. Review status: criteria provided, single submitter. Criteria: ACMG Guidelines, 2015. Collection method: clinical testing. Allele origin: germline.

Women's Health and Genetics/Laboratory Corporation of America, LabCorp
Classification: Uncertain significance. Last evaluated: 2023-08-10. Review status: criteria provided, single submitter. Criteria: LabCorp Variant Classification Summary - May 2015. Collection method: clinical testing. Allele origin: germline.
Comment: Variant summary: DES c.635G>A (p.Arg212Gln) results in a conservative amino acid change located in the Intermediate filament, rod domain (IPR039008) of the encoded protein sequence. Four of five in-silico tools predict a damaging effect of the variant on protein function. The variant allele was found at a frequency of 0.00024 in 251478 control chromosomes. The observed variant frequency is approximately 7.63 fold of the estimated maximal expected allele frequency for a pathogenic variant in DES causing Dilated Cardiomyopathy phenotype (3.1e-05), strongly suggesting that the variant is benign. c.635G>A has been reported in the literature in a cognitive and developmental cohort (Pizzo_2019), in an individual with sudden unexpected death (Sanchez_2016), Dilated Cardiomyopathy (Verdonschot_2020) and left ventricular non-compaction (2017). These reports do not provide unequivocal conclusions about association of the variant with Dilated Cardiomyopathy. To our knowledge, no experimental evidence demonstrating an impact on protein function has been reported. The following publications have been ascertained in the context of this evaluation (PMID: 28798025, 30190612, 27930701, 32880476). Multiple submitters have cited clinical-significance assessments for this variant to ClinVar after 2014 and classified as VUS (n=9) and benign/likely benign (n=2) citing overlapping evidence utilized in the context of this evaluation. Based on the evidence outlined above, the variant was classified as uncertain significance.

Department of Pathology and Laboratory Medicine, Sinai Health System
Classification: Uncertain significance for arrhythmogenic right ventricular cardiomyopathy. Last evaluated: 2022-04-12. Review status: criteria provided, single submitter. Criteria: ACMG Guidelines, 2015. Collection method: research. Allele origin: germline.

Petrovsky National Research Centre of Surgery, The Federal Agency for Scientific Organizations
Classification: Uncertain significance. Last evaluated: 2020-10-16. Review status: criteria provided, single submitter. Criteria: ACMG Guidelines, 2015. Collection method: clinical testing. Allele origin: unknown. Inheritance: Autosomal dominant inheritance. Affected: yes. Observed: 1 heterozygote.
Comment: To our knowledge, the frequency of the p.R212Q genetic variant is 0.00015-0.00040, which is compatible to the frequency of HCM and DCM. Online bioinformatic resources predict the p.R212Q genetic vatiant to be probably pathogenic. However, in the absence of the family screening data and/or functional studies, we could only classify the p.R212Q genetic variant as a variant with uncertain clinical significance.

CHEO Genetics Diagnostic Laboratory, Children's Hospital of Eastern Ontario
Classification: Uncertain significance for Cardiomyopathy. Last evaluated: 2019-12-03. Review status: criteria provided, single submitter. Criteria: ACMG Guidelines, 2015. Collection method: clinical testing. Allele origin: germline.

NM_001927.4(DES):c.635G>A (p.Arg212Gln)

Gene: DES (desmin; plus strand). Cytogenetic location: 2q35.
Variant type: single nucleotide variant.
Coding change: c.635G>A on transcript NM_001927.4 (MANE Select); coding-DNA position 635, G replaced by A.
Protein change: p.Arg212Gln; replaces arginine 212 with glutamine.
Molecular consequence: missense variant.
Genome position (GRCh38, 1-based): chr2:219,420,151, G>A. VCF-style: chr2-219420151-G-A. GRCh37 (hg19) VCF-style: chr2-220284873-G-A.
Other names: p.R212Q:CGA>CAA; short protein forms R212Q.
Identifiers: ClinVar variation 178015 (VCV000178015.49), dbSNP rs144261171, ClinGen allele CA181189.